The following is an entry in ClinVar:

ClinVar aggregate classification (germline): Uncertain significance (1 of 4 stars; one submission).

Submission:

GeneDx
Classification: Uncertain significance. Last evaluated: 2023-12-01. Review status: criteria provided, single submitter. Criteria: GeneDx Variant Classification Process June 2021. Collection method: clinical testing. Allele origin: germline. Affected: yes.
Comment: Not observed at significant frequency in large population cohorts (gnomAD); In silico analysis supports that this missense variant does not alter protein structure/function; Has not been previously published as pathogenic or benign to our knowledge; In silico analysis suggests this variant may impact gene splicing. In the absence of RNA/functional studies, the actual effect of this sequence change is unknown.

NM_001394062.1(MACF1):c.18547G>A (p.Glu6183Lys)

Gene: MACF1 (microtubule actin crosslinking factor 1; plus strand). Cytogenetic location: 1p34.3.
Variant type: single nucleotide variant.
Coding change: c.18547G>A on transcript NM_001394062.1 (MANE Select); coding-DNA position 18547, G replaced by A.
Protein change: p.Glu6183Lys; replaces glutamic acid 6183 with lysine.
Molecular consequence: missense variant.
Genome position (GRCh38, 1-based): chr1:39,441,102, G>A. VCF-style: chr1-39441102-G-A. GRCh37 (hg19) VCF-style: chr1-39906774-G-A.
Other names: c.6625G>A, p.Glu2209Lys (NM_001397473.1); c.12370G>A, p.Glu4124Lys (NM_012090.5); short protein forms E2209K, E4124K, E6183K.
Identifiers: ClinVar variation 3365197 (VCV003365197.1).